The following is an entry in ClinVar:

NM_001363711.2(DUOX2):c.1131G>A (p.Glu377=)

Gene: DUOX2 (dual oxidase 2; minus strand). Cytogenetic location: 15q21.1.
Variant type: single nucleotide variant.
Coding change: c.1131G>A on transcript NM_001363711.2 (MANE Select); coding-DNA position 1131, G replaced by A.
Protein change: p.Glu377=; no amino-acid change (glutamic acid 377 retained).
Molecular consequence: synonymous variant.
Genome position (GRCh38, 1-based): chr15:45,109,890, C>T on the plus strand (G>A on the coding strand, the complement: DUOX2 is on the minus strand). VCF-style: chr15-45109890-C-T. GRCh37 (hg19) VCF-style: chr15-45402088-C-T.
Other names: c.1131G>A, p.Glu377= (NM_014080.5).
Identifiers: ClinVar variation 1898296 (VCV001898296.2), dbSNP rs573570911, ClinGen allele CA7538745.

ClinVar aggregate classification (germline): Uncertain significance. Review status: criteria provided, multiple submitters, no conflicts (2 of 4 stars). 2 submissions from 2 submitters: Uncertain significance (2). Last evaluated 2021-05-07.

Conditions:
Thyroid dyshormonogenesis 6 (TDH6). Also called: THYROID HORMONOGENESIS, GENETIC DEFECT IN, 6; HYPOTHYROIDISM, CONGENITAL, DUE TO DYSHORMONOGENESIS, 6; Genetic transient congenital hypothyroidism. Identifiers: Orphanet 226316, Orphanet 95716, MedGen C1846632, MONDO:0011792, OMIM 607200.

Allele frequency attached by ClinVar (database versions not stated): TOPMed 0.00001; gnomAD exomes 0.00003; gnomAD 0.00006; ExAC 0.00009; 1000 Genomes Project 0.00060; 1000 Genomes Project 30x 0.00094.
gnomAD v4.1: 52 of 1,614,154 alleles (0.0032%); highest among the groups gnomAD compares: South Asian, 0.052%; no homozygotes.

Submissions (2):

Labcorp Genetics (formerly Invitae), Labcorp
Classification: Uncertain significance. Last evaluated: 2021-05-07. Review status: criteria provided, single submitter. Criteria: Invitae Variant Classification Sherloc (09022015). Collection method: clinical testing. Allele origin: germline.
Comment: This sequence change affects codon 377 of the DUOX2 mRNA. It is a 'silent' change, meaning that it does not change the encoded amino acid sequence of the DUOX2 protein. This variant also falls at the last nucleotide of exon 10, which is part of the consensus splice site for this exon. This variant is present in population databases (rs573570911, ExAC 0.07%). This variant has not been reported in the literature in individuals with DUOX2-related conditions. Nucleotide substitutions within the consensus splice site are a relatively common cause of aberrant splicing (PMID: 17576681, 9536098). Algorithms developed to predict the effect of sequence changes on RNA splicing suggest that this variant may disrupt the consensus splice site, but this prediction has not been confirmed by published transcriptional studies. In summary, the available evidence is currently insufficient to determine the role of this variant in disease. Therefore, it has been classified as a Variant of Uncertain Significance.

Neuberg Centre For Genomic Medicine, NCGM
Classification: Uncertain significance for Thyroid dyshormonogenesis 6. Review status: criteria provided, single submitter. Criteria: ACMG Guidelines, 2015. Collection method: clinical testing. Allele origin: germline. Inheritance: Autosomal recessive inheritance. Affected: yes.
Comment: The splice site c.1131G>A variant has not been reported previously as a pathogenic variant nor as a benign variant, to our knowledge. The p.Glu377 variant has allele frequency of 0.006% in gnomAD exomes and novel (not in any individuals) in 1000 Genomes. This variant has not been reported to the ClinVar database.Though the variant is a synonymous change, it is present at the splice junction. Variants present at splice junction can affect splicing, though the same needs to be proved by experimental studies. For these reasons, this variant has been classified as Variant of Uncertain Significance (VUS).

Literature cited by the submitters: PubMed 17576681 (cited by Labcorp Genetics (formerly Invitae), Labcorp); PubMed 9536098 (cited by Labcorp Genetics (formerly Invitae), Labcorp).